The following is an entry in ClinVar:

ClinVar aggregate classification (germline): Pathogenic (1 of 4 stars; one submission).

Submission:

Labcorp Genetics (formerly Invitae), Labcorp
Classification: Pathogenic. Last evaluated: 2025-08-21. Review status: criteria provided, single submitter. Criteria: Invitae Variant Classification Sherloc (09022015). Collection method: clinical testing. Allele origin: germline.
Comment: This sequence change creates a premature translational stop signal (p.Val1229Serfs*44) in the C2CD3 gene. It is expected to result in an absent or disrupted protein product. Loss-of-function variants in C2CD3 are known to be pathogenic (PMID: 24997988, 26477546). This variant is not present in population databases (gnomAD no frequency). This variant has not been reported in the literature in individuals affected with C2CD3-related conditions. ClinVar contains an entry for this variant (Variation ID: 2084925). For these reasons, this variant has been classified as Pathogenic.

Literature cited by the submitters: PubMed 24997988; PubMed 26477546.

NM_001286577.2(C2CD3):c.3685del (p.Val1229fs)

Gene: C2CD3 (C2 domain containing 3 centriole elongation regulator; minus strand). Cytogenetic location: 11q13.4.
Variant type: Deletion.
Coding change: c.3685del on transcript NM_001286577.2 (MANE Select); coding-DNA position 3685, one base deleted (G; older notation c.3685delG).
Protein change: p.Val1229fs; shifts the reading frame from valine 1229.
Molecular consequence: frameshift variant.
Genome position (GRCh38, 1-based): chr11:74,085,843, C deleted on the plus strand (G on the coding strand, the reverse complement: C2CD3 is on the minus strand). VCF-style (leftmost placement, unchanged base first): chr11-74085842-AC-A. GRCh37 (hg19) VCF-style: chr11-73796887-AC-A.
Other names: c.3685del, p.Val1229fs (NM_015531.6); short protein forms V1229fs.
Identifiers: ClinVar variation 2084925 (VCV002084925.4), dbSNP rs2496387746, ClinGen allele CA2580084877.
Genomic context (GRCh38, chr11:74,085,842, plus strand): 5'-CGGCGCTGTTCTCCCTGGGGCAGGAAGGAGAGATGAGTGGTGACAGAGGCATTGACCCCG[AC>A]TGTGGCACTAAACTGTAGAGCGGGTTCCCGTTCAGCCAAAGCCCTGTAGAGGAGAAGGGT-3'